The following is an entry in ClinVar:

NM_000368.5(TSC1):c.488C>G (p.Ser163Ter)

Gene: TSC1 (TSC complex subunit 1; minus strand). Cytogenetic location: 9q34.13.
Variant type: single nucleotide variant.
Coding change: c.488C>G on transcript NM_000368.5 (MANE Select); coding-DNA position 488, C replaced by G.
Protein change: p.Ser163Ter; replaces serine 163 with a stop codon.
Molecular consequence: nonsense. On other transcripts: 5 prime UTR variant (5), non-coding transcript variant (5).
Genome position (GRCh38, 1-based): chr9:132,923,368, G>C on the plus strand (C>G on the coding strand, the complement: TSC1 is on the minus strand). VCF-style: chr9-132923368-G-C. GRCh37 (hg19) VCF-style: chr9-135798755-G-C.
Other names: c.335C>G, p.Ser112Ter (NM_001406613.1, NM_001406610.1, NM_001406611.1 and 2 more transcripts); c.125C>G, p.Ser42Ter (NM_001406614.1, NM_001406615.1, NM_001406616.1 and 10 more transcripts); c.488C>G, p.Ser163Ter (NM_001406604.1, NM_001406605.1, NM_001406606.1 and 16 more transcripts); c.-390C>G (NM_001406626.1, NM_001406627.1, NM_001406628.1); c.-532C>G (NM_001406629.1); c.-606C>G (NM_001406630.1); short protein forms S42*, S112*, S163*.
Identifiers: ClinVar variation 2699092 (VCV002699092.3), dbSNP rs1846671274, ClinGen allele CA375373188.

ClinVar aggregate classification (germline): Pathogenic (1 of 4 stars; one submission).

Conditions:
Tuberous sclerosis 1 (TSC1). Identifiers: Orphanet 805, MedGen C1854465, MONDO:0008612, OMIM 191100.

Submission:

Labcorp Genetics (formerly Invitae), Labcorp
Classification: Pathogenic for Tuberous sclerosis 1. Last evaluated: 2023-12-06. Review status: criteria provided, single submitter. Criteria: Invitae Variant Classification Sherloc (09022015). Collection method: clinical testing. Allele origin: germline.
Comment: This sequence change creates a premature translational stop signal (p.Ser163*) in the TSC1 gene. It is expected to result in an absent or disrupted protein product. Loss-of-function variants in TSC1 are known to be pathogenic (PMID: 10227394, 17304050). This variant is not present in population databases (gnomAD no frequency). This variant has not been reported in the literature in individuals affected with TSC1-related conditions. For these reasons, this variant has been classified as Pathogenic.

Literature cited by the submitters: PubMed 10227394; PubMed 17304050.